The following is an entry in ClinVar:

ClinVar aggregate classification (germline): Likely benign. Review status: criteria provided, multiple submitters, no conflicts (2 of 4 stars). 3 submissions from 3 submitters: Likely benign (2). 1 of the submissions does not count toward it. Last evaluated 2024-09-19.

Conditions:
COL18A1-related disorder. Also called: COL18A1-related disorders; COL18A1-related condition.

Allele frequency attached by ClinVar (database versions not stated): 1000 Genomes Project 30x 0.00047; 1000 Genomes Project 0.00060; gnomAD 0.00103; TOPMed 0.00128.
gnomAD v4.1: 568 of 1,580,720 alleles (0.036%); highest among the groups gnomAD compares: African/African-American, 0.3%; 1 homozygote.

Submissions (3):

Blueprint Genetics
Classification: Likely benign. Last evaluated: 2024-09-19. Review status: criteria provided, single submitter. Criteria: ACMG Guidelines, 2015. Collection method: clinical testing. Allele origin: germline.

CeGaT Center for Human Genetics Tuebingen
Classification: Likely benign. Last evaluated: 2023-10-01. Review status: criteria provided, single submitter. Criteria: CeGaT Center For Human Genetics Tuebingen Variant Classification Criteria Version 2. Collection method: clinical testing. Allele origin: germline. Affected: yes. Observed: 1 variant allele.
Comment: COL18A1: BP4

PreventionGenetics, part of Exact Sciences
Classification: Likely benign for COL18A1-related condition. Last evaluated: 2022-04-21. Review status: no assertion criteria provided. Collection method: clinical testing. Allele origin: germline. Not counted in ClinVar's aggregate classification.
Comment: This variant is classified as likely benign based on ACMG/AMP sequence variant interpretation guidelines (Richards et al. 2015 PMID: 25741868, with internal and published modifications).

NM_001379500.1(COL18A1):c.107-11979G>A

Gene: COL18A1 (collagen type XVIII alpha 1 chain; plus strand). Cytogenetic location: 21q22.3.
Variant type: single nucleotide variant.
Coding change: c.107-11979G>A on transcript NM_001379500.1 (MANE Select); 11979 bases into the intron before coding-DNA position 107, G replaced by A.
Molecular consequence: intron variant. On other transcripts: missense variant (1).
Genome position (GRCh38, 1-based): chr21:45,456,263, G>A. VCF-style: chr21-45456263-G-A. GRCh37 (hg19) VCF-style: chr21-46876177-G-A.
Other names: c.733G>A, p.Ala245Thr (NM_130444.3); c.646+87G>A (NM_030582.4); c.733G>A (NM_130444.2); short protein forms A245T.
Identifiers: ClinVar variation 2652791 (VCV002652791.26), dbSNP rs181274677, ClinGen allele CA10065561.
Genomic context (GRCh38, chr21:45,456,263, plus strand): 5'-GGCGGGGCCCCTCCCTGGGGAAGCCTGCAGGACCCAGACAGCCAAGGACTCTCGCCCGCC[G>A]CAGCCGCTCCCAGCCAGCAGCTCCAACGCCCTGACGTCCGCCTGCGCACGCCACTTCTGC-3'